The following is an entry in ClinVar:

NM_001003800.2(BICD2):c.1789C>T (p.Arg597Ter)

Gene: BICD2 (BICD cargo adaptor 2; minus strand). Cytogenetic location: 9q22.31.
Variant type: single nucleotide variant.
Coding change: c.1789C>T on transcript NM_001003800.2 (MANE Select); coding-DNA position 1789, C replaced by T.
Protein change: p.Arg597Ter; replaces arginine 597 with a stop codon.
Molecular consequence: nonsense.
Genome position (GRCh38, 1-based): chr9:92,718,856, G>A on the plus strand (C>T on the coding strand, the complement: BICD2 is on the minus strand). VCF-style: chr9-92718856-G-A. GRCh37 (hg19) VCF-style: chr9-95481138-G-A.
Other names: c.1789C>T, p.Arg597Ter (NM_015250.4); short protein forms R597*.
Identifiers: ClinVar variation 3356723 (VCV003356723.1).

ClinVar aggregate classification (germline): Uncertain significance (0 of 4 stars; one submission).

Conditions:
BICD2-related disorder. Also called: BICD2-related condition.

gnomAD v4.1: 5 of 1,601,428 alleles (0.00031%); highest among the groups gnomAD compares: Admixed American, 0.0017%; no homozygotes.

Submission:

PreventionGenetics, part of Exact Sciences
Classification: Uncertain significance for BICD2-related condition. Last evaluated: 2024-05-07. Review status: no assertion criteria provided. Collection method: clinical testing. Allele origin: germline.
Comment: The BICD2 c.1789C>T variant is predicted to result in premature protein termination (p.Arg597*). To our knowledge, this variant has not been reported in the literature. This variant is reported in 0.0032% of alleles in individuals of Latino descent in gnomAD. At this time, the clinical significance of this variant is uncertain due to the absence of conclusive functional and genetic evidence.